The following is an entry in ClinVar:

ClinVar aggregate classification (germline): Uncertain significance (1 of 4 stars; one submission).

Submission:

Women's Health and Genetics/Laboratory Corporation of America, LabCorp
Classification: Uncertain significance. Last evaluated: 2025-12-16. Review status: criteria provided, single submitter. Criteria: LabCorp Variant Classification Summary - May 2015. Collection method: clinical testing. Allele origin: germline.
Comment: Variant summary: ATAD3A c.94G>A (p.Gly32Ser) results in a non-conservative amino acid change in the encoded protein sequence. Algorithms developed to predict the effect of missense changes on protein structure and function are either unavailable or do not agree on the potential impact of this missense change. The frequency data for this variant in gnomAD is considered unreliable, as metrics indicate poor data quality at this position. To our knowledge, no occurrence of c.94G>A in individuals affected with ATAD3A-related conditions and no experimental evidence demonstrating its impact on protein function have been reported. No submitters have cited clinical-significance assessments for this variant to ClinVar. Based on the evidence outlined above, the variant was classified as uncertain significance.

NM_001170535.3(ATAD3A):c.94G>A (p.Gly32Ser)

Gene: ATAD3A (ATPase family AAA domain containing 3A; plus strand). Cytogenetic location: 1p36.33.
Variant type: single nucleotide variant.
Coding change: c.94G>A on transcript NM_001170535.3 (MANE Select); coding-DNA position 94, G replaced by A.
Protein change: p.Gly32Ser; replaces glycine 32 with serine.
Molecular consequence: missense variant.
Genome position (GRCh38, 1-based): chr1:1,512,362, G>A. VCF-style: chr1-1512362-G-A. GRCh37 (hg19) VCF-style: chr1-1447742-G-A.
Other names: c.94G>A, p.Gly32Ser (NM_018188.5); short protein forms G32S.
Identifiers: ClinVar variation 4688275 (VCV004688275.1).